The following is an entry in ClinVar:

ClinVar aggregate classification (germline): Likely pathogenic (1 of 4 stars; one submission).

Conditions:
Congenital muscular hypertrophy-cerebral syndrome (CDLS2). Also called: SMC1A-Related Cornelia de Lange Syndrome; Cornelia de Lange syndrome 2. Identifiers: Orphanet 199, MedGen C1802395, MONDO:0010370, OMIM 300590.

Submission:

Labcorp Genetics (formerly Invitae), Labcorp
Classification: Likely pathogenic for Congenital muscular hypertrophy-cerebral syndrome. Last evaluated: 2024-03-27. Review status: criteria provided, single submitter. Criteria: Invitae Variant Classification Sherloc (09022015). Collection method: clinical testing. Allele origin: germline.
Comment: This sequence change affects a donor splice site in intron 22 of the SMC1A gene. It is expected to disrupt RNA splicing. Variants that disrupt the donor or acceptor splice site typically lead to a loss of protein function (PMID: 16199547), and loss-of-function variants in SMC1A are known to be pathogenic (PMID: 26386245, 27334371, 28166369, 28548707, 31334757). This variant is not present in population databases (gnomAD no frequency). This variant has not been reported in the literature in individuals affected with SMC1A-related conditions. ClinVar contains an entry for this variant (Variation ID: 1503975). Algorithms developed to predict the effect of sequence changes on RNA splicing suggest that this variant may disrupt the consensus splice site. In summary, the currently available evidence indicates that the variant is pathogenic, but additional data are needed to prove that conclusively. Therefore, this variant has been classified as Likely Pathogenic.

Literature cited by the submitters: PubMed 16199547; PubMed 26386245; PubMed 27334371; PubMed 28166369; PubMed 28548707; PubMed 31334757.

NM_006306.4(SMC1A):c.3437+1G>A

Gene: SMC1A (structural maintenance of chromosomes 1A; minus strand). Cytogenetic location: Xp11.22.
Variant type: single nucleotide variant.
Coding change: c.3437+1G>A on transcript NM_006306.4 (MANE Select); the canonical splice donor site of the intron after coding-DNA position 3437, G replaced by A.
Molecular consequence: splice donor variant.
Genome position (GRCh38, 1-based): chrX:53,382,231, C>T on the plus strand (G>A on the coding strand, the complement: SMC1A is on the minus strand). VCF-style: chrX-53382231-C-T. GRCh37 (hg19) VCF-style: chrX-53409152-C-T.
Other names: c.3371+1G>A (NM_001281463.1).
Identifiers: ClinVar variation 1503975 (VCV001503975.8), dbSNP rs2146582412, ClinGen allele CA413243222.